The following is an entry in ClinVar:

NM_022124.6(CDH23):c.4306C>T (p.Gln1436Ter)

Gene: CDH23 (cadherin related 23; plus strand). Cytogenetic location: 10q22.1.
Variant type: single nucleotide variant.
Coding change: c.4306C>T on transcript NM_022124.6 (MANE Select); coding-DNA position 4306, C replaced by T.
Protein change: p.Gln1436Ter; replaces glutamine 1436 with a stop codon.
Molecular consequence: nonsense.
Genome position (GRCh38, 1-based): chr10:71,738,594, C>T. VCF-style: chr10-71738594-C-T. GRCh37 (hg19) VCF-style: chr10-73498351-C-T.
Other names: short protein forms Q1436*.
Identifiers: ClinVar variation 3601328 (VCV003601328.1).

ClinVar aggregate classification (germline): Likely pathogenic (1 of 4 stars; one submission).

Conditions:
Autosomal recessive nonsyndromic hearing loss 12. Also called: DEAFNESS, AUTOSOMAL RECESSIVE 12. Identifiers: Orphanet 90636, MedGen C1832394, MONDO:0011067, OMIM 601386.

Submission:

Institute of Rare Diseases, West China Hospital, Sichuan University
Classification: Likely pathogenic for Autosomal recessive nonsyndromic hearing loss 12. Last evaluated: 2025-01-09. Review status: criteria provided, single submitter. Criteria: ClinGen HL ACMG Specifications v1. Collection method: research. Allele origin: germline. Affected: yes.
Comment: PVS1;PM2_Supporting